The following is an entry in ClinVar:

ClinVar aggregate classification (germline): Uncertain significance. Review status: criteria provided, multiple submitters, no conflicts (2 of 4 stars). 4 submissions from 4 submitters: Uncertain significance (4). Last evaluated 2026-02-01.

Conditions:
Van Maldergem syndrome 1 (VMLDS1). Also called: Van Maldergem syndrome 1 (VMLDS1). Identifiers: Orphanet 314679, MedGen C4551950, MONDO:0011070, OMIM 601390.
Inborn genetic diseases. Identifiers: MedGen C0950123, MeSH D030342.

Allele frequency attached by ClinVar (database versions not stated): gnomAD exomes 0.00002 and 0.00004; ExAC 0.00003; gnomAD 0.00004; TOPMed 0.00007.
gnomAD v4.1: 62 of 1,612,828 alleles (0.0038%); highest among the groups gnomAD compares: Non-Finnish European, 0.0051%; no homozygotes.

Submissions (4):

Labcorp Genetics (formerly Invitae), Labcorp
Classification: Uncertain significance. Last evaluated: 2026-02-01. Review status: criteria provided, single submitter. Criteria: Invitae Variant Classification Sherloc (09022015). Collection method: clinical testing. Allele origin: germline.
Comment: This sequence change replaces glycine, which is neutral and non-polar, with aspartic acid, which is acidic and polar, at codon 1973 of the DCHS1 protein (p.Gly1973Asp). This variant is present in population databases (rs745850825, gnomAD 0.005%). This variant has not been reported in the literature in individuals affected with DCHS1-related conditions. ClinVar contains an entry for this variant (Variation ID: 1303837). Invitae Evidence Modeling of protein sequence and biophysical properties (such as structural, functional, and spatial information, amino acid conservation, physicochemical variation, residue mobility, and thermodynamic stability) indicates that this missense variant is not expected to disrupt DCHS1 protein function with a negative predictive value of 80%. In summary, the available evidence is currently insufficient to determine the role of this variant in disease. Therefore, it has been classified as a Variant of Uncertain Significance.

Clinical Genomics Laboratory, Washington University in St. Louis
Classification: Uncertain significance for Van Maldergem syndrome 1. Last evaluated: 2024-09-16. Review status: criteria provided, single submitter. Criteria: ACMG Guidelines, 2015. Collection method: clinical testing. Allele origin: germline.
Comment: A DCHS1 c.5918G>A (p.Gly1973Asp) variant was identified at a heterozygous allelic fraction of 50%, a frequency which may be consistent with germline origin. To our knowledge, this variant has not been reported in the medical literature. It is only observed on 62/1,612,828 alleles in the general population (gnomAD v.4.1.0), indicating it is not a common variant. The DCHS1 c.5918G>A (p.Gly1973Asp) variant has been reported in the ClinVar database as a germline variant of uncertain significance by 3 submitters (ClinVar Variation ID: 1303837). Computational predictors suggest that the variant does not impact DCHS1 function. Due to limited information, and based on ACMG/AMP guidelines for variant interpretation (Richards S et al., PMID: 25741868), the clinical significance of this variant is uncertain at this time.

Ambry Genetics
Classification: Uncertain significance for Inborn genetic diseases. Last evaluated: 2021-03-26. Review status: criteria provided, single submitter. Criteria: Ambry Variant Classification Scheme 2023. Collection method: clinical testing. Allele origin: germline.
Comment: The c.5918G>A (p.G1973D) alteration is located in exon 14 (coding exon 13) of the DCHS1 gene. This alteration results from a G to A substitution at nucleotide position 5918, causing the glycine (G) at amino acid position 1973 to be replaced by an aspartic acid (D). The p.G1973D alteration is predicted to be tolerated by in silico analysis. Based on insufficient or conflicting evidence, the clinical significance of this alteration remains unclear.

GeneDx
Classification: Uncertain significance. Last evaluated: 2019-10-21. Review status: criteria provided, single submitter. Criteria: GeneDx Variant Classification Process June 2021. Collection method: clinical testing. Allele origin: germline. Affected: yes.
Comment: Not observed at a significant frequency in large population cohorts (Lek et al., 2016); In silico analysis, which includes protein predictors and evolutionary conservation, supports that this variant does not alter protein structure/function; Has not been previously published as pathogenic or benign to our knowledge

NM_003737.4(DCHS1):c.5918G>A (p.Gly1973Asp)

Gene: DCHS1 (dachsous cadherin-related 1; minus strand). Cytogenetic location: 11p15.4.
Variant type: single nucleotide variant.
Coding change: c.5918G>A on transcript NM_003737.4 (MANE Select); coding-DNA position 5918, G replaced by A.
Protein change: p.Gly1973Asp; replaces glycine 1973 with aspartic acid.
Molecular consequence: missense variant.
Genome position (GRCh38, 1-based): chr11:6,627,121, C>T on the plus strand (G>A on the coding strand, the complement: DCHS1 is on the minus strand). VCF-style: chr11-6627121-C-T. GRCh37 (hg19) VCF-style: chr11-6648352-C-T.
Other names: c.5918G>A (NM_003737.2); short protein forms G1973D.
Identifiers: ClinVar variation 1303837 (VCV001303837.9), dbSNP rs745850825, ClinGen allele CA5859994.